The following is an entry in ClinVar:

NM_001360.3(DHCR7):c.627-1G>A

Gene: DHCR7 (7-dehydrocholesterol reductase; minus strand). Cytogenetic location: 11q13.4.
Variant type: single nucleotide variant.
Coding change: c.627-1G>A on transcript NM_001360.3 (MANE Select); the canonical splice acceptor site of the intron before coding-DNA position 627, G replaced by A.
Molecular consequence: splice acceptor variant.
Genome position (GRCh38, 1-based): chr11:71,439,084, C>T on the plus strand (G>A on the coding strand, the complement: DHCR7 is on the minus strand). VCF-style: chr11-71439084-C-T. GRCh37 (hg19) VCF-style: chr11-71150130-C-T.
Other names: c.627-1G>A (NM_001163817.2).
Identifiers: ClinVar variation 371358 (VCV000371358.16), dbSNP rs1057517210, ClinGen allele CA16041554.
Genomic context (GRCh38, chr11:71,439,084, plus strand): 5'-ATCCGAGGGTTAAACTCGATGCCCATCATGTAGTTGTAAAAGAAATTGCCTGTGAATTTG[C>T]TTAAAAATATAAATAAAAGATACATTTAGTGGATGAGCATATCTCACAAGATGAAGCCAC-3'

ClinVar aggregate classification (germline): Likely pathogenic. Review status: criteria provided, multiple submitters, no conflicts (2 of 4 stars). 3 submissions from 3 submitters: Likely pathogenic (2). 1 of the submissions does not count toward it. Last evaluated 2025-08-22.

Conditions:
Smith-Lemli-Opitz syndrome (SLOS). Also called: LETHAL ACRODYSGENITAL SYNDROME; POLYDACTYLY, SEX REVERSAL, RENAL HYPOPLASIA, AND UNILOBAR LUNG; RSH SYNDROME; RUTLEDGE LETHAL MULTIPLE CONGENITAL ANOMALY SYNDROME; 7-Dehydrocholesterol reductase deficiency. Identifiers: Orphanet 818, MedGen C0175694, MONDO:0010035, OMIM 270400.

Allele frequency attached by ClinVar (database versions not stated): gnomAD 0.00001; gnomAD exomes 0.00001.
gnomAD v4.1: 9 of 1,613,290 alleles (0.00056%); highest among the groups gnomAD compares: African/African-American, 0.0013%; no homozygotes.

Submissions (3):

Natera, Inc.
Classification: Likely pathogenic for Smith-Lemli-Opitz syndrome. Last evaluated: 2025-08-22. Review status: criteria provided, single submitter. Criteria: Natera Variant Classification Schema (03/2026). Collection method: clinical testing. Allele origin: germline.
Comment: The c.627-1G>A variant in DHCR7 is a canonical splice acceptor site variant predicted to affect pre-mRNA splicing, which may result in an abnormal transcript and altered protein product. This variant is expected to result in nonsense mediated decay, truncation, or a dysfunctional protein product. This variant is rare in the general population with a frequency below the threshold expected for the associated phenotype(s). Given the available evidence, this variant is classified as Likely Pathogenic.

Labcorp Genetics (formerly Invitae), Labcorp
Classification: Likely pathogenic for Smith-Lemli-Opitz syndrome. Last evaluated: 2023-10-15. Review status: criteria provided, single submitter. Criteria: Invitae Variant Classification Sherloc (09022015). Collection method: clinical testing. Allele origin: germline.
Comment: This sequence change affects an acceptor splice site in intron 6 of the DHCR7 gene. It is expected to disrupt RNA splicing. Variants that disrupt the donor or acceptor splice site typically lead to a loss of protein function (PMID: 16199547), and loss-of-function variants in DHCR7 are known to be pathogenic (PMID: 9634533, 10677299). This variant is present in population databases (no rsID available, gnomAD 0.002%). This variant has not been reported in the literature in individuals affected with DHCR7-related conditions. ClinVar contains an entry for this variant (Variation ID: 371358). Algorithms developed to predict the effect of sequence changes on RNA splicing suggest that this variant may disrupt the consensus splice site. In summary, the currently available evidence indicates that the variant is pathogenic, but additional data are needed to prove that conclusively. Therefore, this variant has been classified as Likely Pathogenic.

Counsyl
Classification: Likely pathogenic for Smith-Lemli-Opitz syndrome. Last evaluated: 2016-09-06. Review status: no assertion criteria provided. Collection method: clinical testing. Allele origin: unknown. Not counted in ClinVar's aggregate classification.

Literature cited by the submitters: PubMed 16199547 (cited by Labcorp Genetics (formerly Invitae), Labcorp); PubMed 9634533 (cited by Labcorp Genetics (formerly Invitae), Labcorp); PubMed 10677299 (cited by Labcorp Genetics (formerly Invitae), Labcorp).